The following is an entry in ClinVar:

ClinVar aggregate classification (germline): Uncertain significance (1 of 4 stars; one submission).

Submission:

Labcorp Genetics (formerly Invitae), Labcorp
Classification: Uncertain significance. Last evaluated: 2023-08-10. Review status: criteria provided, single submitter. Criteria: Invitae Variant Classification Sherloc (09022015). Collection method: clinical testing. Allele origin: germline.
Comment: ClinVar contains an entry for this variant (Variation ID: 2013515). Variants that disrupt the consensus splice site are a relatively common cause of aberrant splicing (PMID: 17576681, 9536098). Algorithms developed to predict the effect of sequence changes on RNA splicing suggest that this variant is not likely to affect RNA splicing. In summary, the available evidence is currently insufficient to determine the role of this variant in disease. Therefore, it has been classified as a Variant of Uncertain Significance. This variant has not been reported in the literature in individuals affected with MTOR-related conditions. This sequence change falls in intron 39 of the MTOR gene. It does not directly change the encoded amino acid sequence of the MTOR protein. It affects a nucleotide within the consensus splice site. This variant is not present in population databases (gnomAD no frequency).

Literature cited by the submitters: PubMed 17576681; PubMed 9536098.

NM_004958.4(MTOR):c.5613+6del

Gene: MTOR (mechanistic target of rapamycin kinase; minus strand). Cytogenetic location: 1p36.22.
Variant type: Deletion.
Coding change: c.5613+6del on transcript NM_004958.4 (MANE Select); 6 bases into the intron after coding-DNA position 5613, one base deleted (C; older notation c.5613+6delC).
Molecular consequence: intron variant.
Genome position (GRCh38, 1-based): chr1:11,130,523, G deleted on the plus strand (C on the coding strand, the reverse complement: MTOR is on the minus strand); the first of 3 consecutive G bases (chr1:11,130,523-11,130,525); deleting any one gives the same sequence. VCF-style (leftmost placement, unchanged base first): chr1-11130522-AG-A. GRCh37 (hg19) VCF-style: chr1-11190579-AG-A.
Other names: c.4365+6del (NM_001386501.1); c.5613+6del (NM_001386500.1).
Identifiers: ClinVar variation 2013515 (VCV002013515.4), dbSNP rs2522334611, ClinGen allele CA2580061059.